The following is an entry in ClinVar:

ClinVar aggregate classification (germline): Likely benign (0 of 4 stars; one submission).

Conditions:
SCAF4-related disorder. Also called: SCAF4-related condition.

gnomAD v4.1: 14 of 1,613,806 alleles (0.00087%); highest among the groups gnomAD compares: African/African-American, 0.0013%; no homozygotes.

Submission:

PreventionGenetics, part of Exact Sciences
Classification: Likely benign for SCAF4-related condition. Last evaluated: 2024-08-09. Review status: no assertion criteria provided. Collection method: clinical testing. Allele origin: germline.
Comment: This variant is classified as likely benign based on ACMG/AMP sequence variant interpretation guidelines (Richards et al. 2015 PMID: 25741868, with internal and published modifications).

NM_020706.2(SCAF4):c.1827T>C (p.Pro609=)

Gene: SCAF4 (SR-related CTD associated factor 4; minus strand). Cytogenetic location: 21q22.11.
Variant type: single nucleotide variant.
Coding change: c.1827T>C on transcript NM_020706.2 (MANE Select); coding-DNA position 1827, T replaced by C.
Protein change: p.Pro609=; no amino-acid change (proline 609 retained).
Molecular consequence: synonymous variant.
Genome position (GRCh38, 1-based): chr21:31,690,855, A>G on the plus strand (T>C on the coding strand, the complement: SCAF4 is on the minus strand). VCF-style: chr21-31690855-A-G. GRCh37 (hg19) VCF-style: chr21-33063168-A-G.
Other names: c.1782T>C, p.Pro594= (NM_001145444.1); c.1827T>C, p.Pro609= (NM_001145445.1).
Identifiers: ClinVar variation 3351223 (VCV003351223.1).